The following is an entry in ClinVar:

ClinVar aggregate classification (germline): Uncertain significance (1 of 4 stars; one submission).

Submission:

GeneDx
Classification: Uncertain significance. Last evaluated: 2024-10-24. Review status: criteria provided, single submitter. Criteria: GeneDx Variant Classification Process June 2021. Collection method: clinical testing. Allele origin: germline. Affected: yes.
Comment: Not observed at significant frequency in large population cohorts (gnomAD); In silico analysis supports that this missense variant has a deleterious effect on protein structure/function; Has not been previously published as pathogenic or benign to our knowledge

NM_000834.5(GRIN2B):c.4372A>G (p.Asn1458Asp)

Gene: GRIN2B (glutamate ionotropic receptor NMDA type subunit 2B; minus strand). Cytogenetic location: 12p13.1.
Variant type: single nucleotide variant.
Coding change: c.4372A>G on transcript NM_000834.5 (MANE Select); coding-DNA position 4372, A replaced by G.
Protein change: p.Asn1458Asp; replaces asparagine 1458 with aspartic acid.
Molecular consequence: missense variant.
Genome position (GRCh38, 1-based): chr12:13,562,866, T>C on the plus strand (A>G on the coding strand, the complement: GRIN2B is on the minus strand). VCF-style: chr12-13562866-T-C. GRCh37 (hg19) VCF-style: chr12-13715800-T-C.
Other names: c.4372A>G, p.Asn1458Asp (NM_001413992.1); short protein forms N1458D.
Identifiers: ClinVar variation 3893589 (VCV003893589.1).